The following is an entry in ClinVar:

NM_001379200.1(TBX1):c.1208G>A (p.Ser403Asn)

Gene: TBX1 (T-box transcription factor 1; plus strand). Cytogenetic location: 22q11.21.
Variant type: single nucleotide variant.
Coding change: c.1208G>A on transcript NM_001379200.1 (MANE Select); coding-DNA position 1208, G replaced by A.
Protein change: p.Ser403Asn; replaces serine 403 with asparagine.
Molecular consequence: missense variant. On other transcripts: intron variant (2).
Genome position (GRCh38, 1-based): chr22:19,766,560, G>A. VCF-style: chr22-19766560-G-A. GRCh37 (hg19) VCF-style: chr22-19754083-G-A.
Other names: c.1181G>A, p.Ser394Asn (NM_080647.1); c.1009+558G>A (NM_005992.1, NM_080646.2); short protein forms S394N, S403N.
Identifiers: ClinVar variation 1507645 (VCV001507645.10), dbSNP rs749558577, ClinGen allele CA10102664.
Genomic context (GRCh38, chr22:19,766,560, plus strand): 5'-CCGGGGCCGGCGGCGCCGGCGGCTTAGTCCCGCTGCCCGGCGCGCCCGGAGGCCGGCCCA[G>A]TCCCCCGAACCCCGAGCTGCGCCTGGAGGCGCCCGGCGCATCGGAGCCGCTGCACCACCA-3'
Protein context (NP_001366129.1, residues 393-413): PLPGAPGGRP[Ser403Asn]PPNPELRLEA

ClinVar aggregate classification (germline): Uncertain significance. Review status: criteria provided, multiple submitters, no conflicts (2 of 4 stars). 2 submissions from 2 submitters: Uncertain significance (2). Last evaluated 2026-01-14.

Conditions:
DiGeorge syndrome. Also called: THIRD AND FOURTH PHARYNGEAL POUCH SYNDROME; Catch22. Identifiers: Orphanet 567, MedGen C0012236, MONDO:0008564, OMIM 188400.
Cardiovascular phenotype. Identifiers: MedGen CN230736.

Allele frequency attached by ClinVar (database versions not stated): TOPMed 0.00001; gnomAD exomes below 0.00001.
gnomAD v4.1: 1 of 1,418,012 alleles (0.000071%); highest among the groups gnomAD compares: Non-Finnish European, 0.000092%; no homozygotes.

Submissions (2):

Ambry Genetics
Classification: Uncertain significance for Cardiovascular phenotype. Last evaluated: 2026-01-14. Review status: criteria provided, single submitter. Criteria: Ambry Variant Classification Scheme 2023. Collection method: clinical testing. Allele origin: germline.
Comment: The c.1181G>A (p.S394N) alteration is located in exon 9 (coding exon 8) of the TBX1 gene. This alteration results from a G to A substitution at nucleotide position 1181, causing the serine (S) at amino acid position 394 to be replaced by an asparagine (N). Based on data from gnomAD, the A allele has an overall frequency of <0.001% (0/70710) total alleles studied. The highest observed frequency was <0.001% (/) of alleles. Based on insufficient or conflicting evidence, the clinical significance of this alteration remains unclear.

Labcorp Genetics (formerly Invitae), Labcorp
Classification: Uncertain significance for DiGeorge syndrome. Last evaluated: 2024-07-16. Review status: criteria provided, single submitter. Criteria: Invitae Variant Classification Sherloc (09022015). Collection method: clinical testing. Allele origin: germline.
Comment: This sequence change replaces serine, which is neutral and polar, with asparagine, which is neutral and polar, at codon 394 of the TBX1 protein (p.Ser394Asn). This variant is not present in population databases (gnomAD no frequency). This variant has not been reported in the literature in individuals affected with TBX1-related conditions. ClinVar contains an entry for this variant (Variation ID: 1507645). An algorithm developed to predict the effect of missense changes on protein structure and function (PolyPhen-2) suggests that this variant is likely to be tolerated. In summary, the available evidence is currently insufficient to determine the role of this variant in disease. Therefore, it has been classified as a Variant of Uncertain Significance.